The following is an entry in ClinVar:

NM_000207.3(INS):c.15G>A (p.Met5Ile)

Genes: INS (insulin; minus strand), INS-IGF2 (INS-IGF2 readthrough; minus strand). Cytogenetic location: 11p15.5.
Variant type: single nucleotide variant.
Coding change: c.15G>A on transcript NM_000207.3 (MANE Select); coding-DNA position 15, G replaced by A.
Protein change: p.Met5Ile; replaces methionine 5 with isoleucine.
Molecular consequence: missense variant. On other transcripts: non-coding transcript variant (1).
Genome position (GRCh38, 1-based): chr11:2,160,957, C>T on the plus strand (G>A on the coding strand, the complement: INS is on the minus strand). VCF-style: chr11-2160957-C-T. GRCh37 (hg19) VCF-style: chr11-2182187-C-T.
Other names: c.15G>A, p.Met5Ile (NM_001185097.2, NM_001185098.2, NM_001291897.2 and 1 more transcripts); short protein forms M5I.
Identifiers: ClinVar variation 2956324 (VCV002956324.3), dbSNP rs1451696290, ClinGen allele CA379122525.

ClinVar aggregate classification (germline): Uncertain significance (1 of 4 stars; one submission).

Submission:

Labcorp Genetics (formerly Invitae), Labcorp
Classification: Uncertain significance. Last evaluated: 2024-02-23. Review status: criteria provided, single submitter. Criteria: Invitae Variant Classification Sherloc (09022015). Collection method: clinical testing. Allele origin: germline.
Comment: This sequence change replaces methionine, which is neutral and non-polar, with isoleucine, which is neutral and non-polar, at codon 5 of the INS protein (p.Met5Ile). This variant is present in population databases (no rsID available, gnomAD 0.0009%). This variant has not been reported in the literature in individuals affected with INS-related conditions. Experimental studies and prediction algorithms are not available or were not evaluated, and the functional significance of this variant is currently unknown. In summary, the available evidence is currently insufficient to determine the role of this variant in disease. Therefore, it has been classified as a Variant of Uncertain Significance.